The following is an entry in ClinVar:

ClinVar aggregate classification (germline): Conflicting classifications of pathogenicity. Review status: criteria provided, conflicting classifications (1 of 4 stars). 3 submissions from 3 submitters: Uncertain significance (2); Likely benign (1). Last evaluated 2025-03-31.

Conditions:
Hereditary cancer-predisposing syndrome. Also called: Hereditary Cancer Syndrome; Tumor predisposition; Neoplastic Syndromes, Hereditary; Hereditary neoplastic syndrome. Identifiers: Orphanet 140162, MedGen C0027672, MeSH D009386, MONDO:0015356.
Oligodontia-cancer predisposition syndrome. Also called: TOOTH AGENESIS-COLORECTAL CANCER SYNDROME. Identifiers: Orphanet 300576, MedGen C1837750, MONDO:0012075, OMIM 608615. Disease mechanism: loss of function.

Submissions (3):

Ambry Genetics
Classification: Likely benign for Hereditary cancer-predisposing syndrome. Last evaluated: 2025-03-31. Review status: criteria provided, single submitter. Criteria: Ambry Variant Classification Scheme 2023. Collection method: clinical testing. Allele origin: germline.

Sema4
Classification: Uncertain significance for Hereditary cancer-predisposing syndrome. Last evaluated: 2021-11-10. Review status: criteria provided, single submitter. Criteria: Sema4 Curation Guidelines. Collection method: curation. Allele origin: germline.
Comment: The AXIN2 c.1414C>T (p.H472Y) variant has not been reported in the literature to our knowledge. It was not observed in the large and broad cohorts of the Genome Aggregation Database (PMID: 32461654). This variant has been reported in ClinVar (Variation ID: 1014374). Functional studies have not been performed, and in silico predictions of the variant's effect on protein function are inconclusive. The evidence is insufficient to meet ACMG/AMP criteria for classifying the variant as benign or pathogenic. Thus, the clinical significance of this variant is currently uncertain.

Labcorp Genetics (formerly Invitae), Labcorp
Classification: Uncertain significance for Oligodontia-cancer predisposition syndrome. Last evaluated: 2020-02-04. Review status: criteria provided, single submitter. Criteria: Invitae Variant Classification Sherloc (09022015). Collection method: clinical testing. Allele origin: germline.
Comment: This variant is not present in population databases (ExAC no frequency). In summary, the available evidence is currently insufficient to determine the role of this variant in disease. Therefore, it has been classified as a Variant of Uncertain Significance. Algorithms developed to predict the effect of missense changes on protein structure and function (SIFT, PolyPhen-2, Align-GVGD) all suggest that this variant is likely to be tolerated, but these predictions have not been confirmed by published functional studies and their clinical significance is uncertain. This variant has not been reported in the literature in individuals with AXIN2-related conditions. This sequence change replaces histidine with tyrosine at codon 472 of the AXIN2 protein (p.His472Tyr). The histidine residue is weakly conserved and there is a moderate physicochemical difference between histidine and tyrosine.

NM_004655.4(AXIN2):c.1414C>T (p.His472Tyr)

Gene: AXIN2 (axin 2; minus strand). Cytogenetic location: 17q24.1.
Variant type: single nucleotide variant.
Coding change: c.1414C>T on transcript NM_004655.4 (MANE Select); coding-DNA position 1414, C replaced by T.
Protein change: p.His472Tyr; replaces histidine 472 with tyrosine.
Molecular consequence: missense variant.
Genome position (GRCh38, 1-based): chr17:65,537,622, G>A on the plus strand (C>T on the coding strand, the complement: AXIN2 is on the minus strand). VCF-style: chr17-65537622-G-A. GRCh37 (hg19) VCF-style: chr17-63533740-G-A.
Other names: c.1414C>T, p.His472Tyr (NM_001363813.1); short protein forms H472Y.
Identifiers: ClinVar variation 1014374 (VCV001014374.13), dbSNP rs2043955269, ClinGen allele CA400677549.